The following is an entry in ClinVar:

ClinVar aggregate classification (germline): Uncertain significance (1 of 4 stars; one submission).

Conditions:
Primary ciliary dyskinesia. Also called: Ciliary dyskinesia. Identifiers: Orphanet 244, MedGen C0008780, MONDO:0016575, HP:0012265.

Submission:

Labcorp Genetics (formerly Invitae), Labcorp
Classification: Uncertain significance for Primary ciliary dyskinesia. Last evaluated: 2025-11-22. Review status: criteria provided, single submitter. Criteria: Invitae Variant Classification Sherloc (09022015). Collection method: clinical testing. Allele origin: germline.
Comment: This sequence change replaces leucine, which is neutral and non-polar, with valine, which is neutral and non-polar, at codon 145 of the RPGR protein (p.Leu145Val). This variant is not present in population databases (gnomAD no frequency). This variant has not been reported in the literature in individuals affected with RPGR-related conditions. Invitae Evidence Modeling of protein sequence and biophysical properties (such as structural, functional, and spatial information, amino acid conservation, physicochemical variation, residue mobility, and thermodynamic stability) indicates that this missense variant is not expected to disrupt RPGR protein function with a negative predictive value of 80%. In summary, the available evidence is currently insufficient to determine the role of this variant in disease. Therefore, it has been classified as a Variant of Uncertain Significance.

NM_001034853.2(RPGR):c.433C>G (p.Leu145Val)

Gene: RPGR (retinitis pigmentosa GTPase regulator; minus strand). Cytogenetic location: Xp11.4.
Variant type: single nucleotide variant.
Coding change: c.433C>G on transcript NM_001034853.2 (MANE Select); coding-DNA position 433, C replaced by G.
Protein change: p.Leu145Val; replaces leucine 145 with valine.
Molecular consequence: missense variant. On other transcripts: non-coding transcript variant (6).
Genome position (GRCh38, 1-based): chrX:38,318,865, G>C on the plus strand (C>G on the coding strand, the complement: RPGR is on the minus strand). VCF-style: chrX-38318865-G-C. GRCh37 (hg19) VCF-style: chrX-38178118-G-C.
Other names: c.433C>G, p.Leu145Val (NM_000328.3, NM_001367245.1, NM_001367246.1 and 3 more transcripts); c.463C>G, p.Leu155Val (NM_001367248.1); c.430C>G, p.Leu144Val (NM_001367249.1); short protein forms L144V, L155V, L145V.
Identifiers: ClinVar variation 4748225 (VCV004748225.1).